The following is an entry in ClinVar:

ClinVar aggregate classification (germline): Uncertain significance. Review status: criteria provided, single submitter (1 of 4 stars). 2 submissions from 1 submitter: Uncertain significance (1). 1 of the submissions does not count toward it. Last evaluated 2022-08-16.

Conditions:
Cataract 13 with adult I phenotype. Identifiers: Orphanet 91492, MedGen C3805373, MONDO:0007289, OMIM 116700.

Submissions (2):

Labcorp Genetics (formerly Invitae), Labcorp
Classification: Uncertain significance. Last evaluated: 2022-08-16. Review status: criteria provided, single submitter. Criteria: Invitae Variant Classification Sherloc (09022015). Collection method: clinical testing. Allele origin: germline.
Comment: A copy number gain of the genomic region encompassing the full coding sequence of the MAK gene has been identified. The boundaries of this event are unknown as they extend beyond the assayed region for this gene and therefore may encompass additional genes. As the precise location of this event is unknown, it may be in tandem or it may be located elsewhere in the genome. This variant has not been reported in the literature in individuals affected with MAK-related conditions. In summary, the available evidence is currently insufficient to determine the role of this variant in disease. Therefore, it has been classified as a Variant of Uncertain Significance.

Labcorp Genetics (formerly Invitae), Labcorp
Classification: Uncertain significance for Cataract 13 with adult I phenotype. Last evaluated: 2021-06-04. Review status: flagged submission. Criteria: Invitae Variant Classification Sherloc (09022015). Collection method: clinical testing. Allele origin: germline. Not counted in ClinVar's aggregate classification.
Comment: A copy number gain of the genomic region encompassing the full coding sequence of the GCNT2 gene has been identified. The boundaries of this event are unknown as they extend beyond the assayed region for this gene and therefore may encompass additional genes. As the precise location of this event is unknown, it may be in tandem or it may be located elsewhere in the genome. This variant has not been reported in the literature in individuals with GCNT2-related conditions. Experimental studies and prediction algorithms are not available or were not evaluated, and the functional significance of this variant is currently unknown. In summary, the available evidence is currently insufficient to determine the role of this variant in disease. Therefore, it has been classified as a Variant of Uncertain Significance.
ClinVar note: Reason: This record appears to be redundant with a more recent record from the same submitter.
ClinVar note: Notes: SCV002194703 appears to be redundant with SCV003793418.

NC_000006.11:g.(?_10398650)_(10882026_?)dup

Genes: C6orf52 (chromosome 6 open reading frame 52; minus strand), GCM2 (glial cells missing transcription factor 2; minus strand), GCNT2 (glucosaminyl (N-acetyl) transferase 2 (I blood group); plus strand), MAK (male germ cell associated kinase; minus strand), PAK1IP1 (PAK1 interacting protein 1; plus strand) and 3 more. Cytogenetic location: 6p24.3-24.2.
Variant type: Duplication.
Identifiers: ClinVar variation 1421288 (VCV001421288.5).